The following is an entry in ClinVar:

NM_017934.7(PHIP):c.4153_4155delinsTTT (p.Val1385Phe)

Genes: IRAK1BP1 (interleukin 1 receptor associated kinase 1 binding protein 1; plus strand), PHIP (PHIP subunit of CUL4-Ring ligase complex; minus strand). Cytogenetic location: 6q14.1.
Variant type: Indel.
Coding change: c.4153_4155delinsTTT on transcript NM_017934.7 (MANE Select); coding-DNA positions 4153 to 4155, GTC replaced by TTT.
Protein change: p.Val1385Phe; replaces valine 1385 with phenylalanine.
Molecular consequence: missense variant.
Genome position (GRCh38, 1-based): chr6:78,947,674-78,947,676, GAC replaced by AAA on the plus strand (GTC replaced by TTT on the coding strand, the reverse complement: PHIP is on the minus strand). VCF-style: chr6-78947674-GAC-AAA. GRCh37 (hg19) VCF-style: chr6-79657391-GAC-AAA.
Other names: short protein forms V1385F.
Identifiers: ClinVar variation 1803428 (VCV001803428.1), dbSNP rs2481802269, ClinGen allele CA2580075869.

ClinVar aggregate classification (germline): Uncertain significance (1 of 4 stars; one submission).

Submission:

GeneDx
Classification: Uncertain significance. Last evaluated: 2022-06-10. Review status: criteria provided, single submitter. Criteria: GeneDx Variant Classification Process June 2021. Collection method: clinical testing. Allele origin: germline. Affected: yes.
Comment: Not observed at significant frequency in large population cohorts (gnomAD); In silico analysis supports a deleterious effect on protein structure/function; Has not been previously published as pathogenic or benign to our knowledge